The following is an entry in ClinVar:

NM_000038.6(APC):c.574G>T (p.Glu192Ter)

Gene: APC (APC regulator of Wnt signaling pathway; plus strand). Cytogenetic location: 5q22.2.
Variant type: single nucleotide variant.
Coding change: c.574G>T on transcript NM_000038.6 (MANE Select); coding-DNA position 574, G replaced by T.
Protein change: p.Glu192Ter; replaces glutamic acid 192 with a stop codon.
Molecular consequence: nonsense. On other transcripts: 5 prime UTR variant (4), non-coding transcript variant (2).
Genome position (GRCh38, 1-based): chr5:112,780,832, G>T. VCF-style: chr5-112780832-G-T. GRCh37 (hg19) VCF-style: chr5-112116529-G-T.
Other names: c.574G>T, p.Glu192Ter (NM_001127510.3, NM_001354895.2, NM_001354896.2 and 16 more transcripts); c.604G>T, p.Glu202Ter (NM_001127511.3, NM_001354897.2, NM_001354902.2 and 1 more transcripts); c.499G>T, p.Glu167Ter (NM_001354898.2, NM_001354904.2, NM_001407451.1); c.397G>T, p.Glu133Ter (NM_001354900.2, NM_001354901.2, NM_001354905.2 and 1 more transcripts); c.-462G>T (NM_001354906.2, NM_001407470.1, NM_001407471.1 and 1 more transcripts); short protein forms E192*, E133*, E167*, E202*.
Identifiers: ClinVar variation 2774098 (VCV002774098.2), dbSNP rs757159551, ClinGen allele CA16022592.

ClinVar aggregate classification (germline): Pathogenic (1 of 4 stars; one submission).

Conditions:
Hereditary cancer-predisposing syndrome. Also called: Hereditary neoplastic syndrome; Hereditary Cancer Syndrome; Neoplastic Syndromes, Hereditary; Tumor predisposition. Identifiers: Orphanet 140162, MedGen C0027672, MeSH D009386, MONDO:0015356.

Submission:

Color Diagnostics, LLC DBA Color Health
Classification: Pathogenic for Hereditary cancer-predisposing syndrome. Last evaluated: 2022-04-17. Review status: criteria provided, single submitter. Criteria: ACMG Guidelines, 2015. Collection method: clinical testing. Allele origin: germline.
Comment: This variant changes 1 nucleotide in exon 6 of the APC gene, creating a premature translation stop signal. This variant is expected to result in an absent or non-functional protein product. To our knowledge, this variant has not been reported in individuals affected with hereditary cancer in the literature. This variant has not been identified in the general population by the Genome Aggregation Database (gnomAD). Loss of APC function is a known mechanism of disease. Based on the available evidence, this variant is classified as Pathogenic.